The following is an entry in ClinVar:

ClinVar aggregate classification (germline): Uncertain significance (1 of 4 stars; one submission).

Conditions:
Inborn genetic diseases. Identifiers: MedGen C0950123, MeSH D030342.

Submission:

Ambry Genetics
Classification: Uncertain significance for Inborn genetic diseases. Last evaluated: 2025-04-18. Review status: criteria provided, single submitter. Criteria: Ambry Variant Classification Scheme 2023. Collection method: clinical testing. Allele origin: germline.
Comment: The p.P851A variant (also known as c.2551C>G), located in coding exon 15 of the RECQL4 gene, results from a C to G substitution at nucleotide position 2551. The proline at codon 851 is replaced by alanine, an amino acid with highly similar properties. This amino acid position is conserved. In addition, the in silico prediction for this alteration is inconclusive. Based on the available evidence, the clinical significance of this variant remains unclear.

NM_004260.4(RECQL4):c.2551C>G (p.Pro851Ala)

Gene: RECQL4 (RecQ like helicase 4; minus strand). Cytogenetic location: 8q24.3.
Variant type: single nucleotide variant.
Coding change: c.2551C>G on transcript NM_004260.4 (MANE Select); coding-DNA position 2551, C replaced by G.
Protein change: p.Pro851Ala; replaces proline 851 with alanine.
Molecular consequence: missense variant. On other transcripts: non-coding transcript variant (3).
Genome position (GRCh38, 1-based): chr8:144,513,051, G>C on the plus strand (C>G on the coding strand, the complement: RECQL4 is on the minus strand). VCF-style: chr8-144513051-G-C. GRCh37 (hg19) VCF-style: chr8-145738434-G-C.
Other names: c.2257C>G, p.Pro753Ala (NM_001413017.1); c.2353C>G, p.Pro785Ala (NM_001413018.1); c.2551C>G, p.Pro851Ala (NM_001413019.1, NM_001413036.1); c.2455C>G, p.Pro819Ala (NM_001413020.1); c.1480C>G, p.Pro494Ala (NM_001413021.1, NM_001413022.1, NM_001413023.1 and 5 more transcripts); c.2422C>G, p.Pro808Ala (NM_001413025.1); c.1414C>G, p.Pro472Ala (NM_001413027.1, NM_001413030.1, NM_001413032.1 and 1 more transcripts); c.2200C>G, p.Pro734Ala (NM_001413029.1); and 6 more; short protein forms P753A, P851A, P362A, P785A, P819A, P428A, P450A, P472A.
Identifiers: ClinVar variation 3944289 (VCV003944289.1).